The following is an entry in ClinVar:

ClinVar aggregate classification (germline): Likely benign. Review status: criteria provided, multiple submitters, no conflicts (2 of 4 stars). 3 submissions from 3 submitters: Likely benign (2). 1 of the submissions does not count toward it. Last evaluated 2026-02-01.

Conditions:
ANXA11-related disorder. Also called: ANXA11-related condition.

Allele frequency attached by ClinVar (database versions not stated): ESP Exome Variant Server 0.00008.
gnomAD v4.1: 232 of 1,604,450 alleles (0.014%); highest among the groups gnomAD compares: Non-Finnish European, 0.018%; no homozygotes.

Submissions (3):

CeGaT Center for Human Genetics Tuebingen
Classification: Likely benign. Last evaluated: 2026-02-01. Review status: criteria provided, single submitter. Criteria: CeGaT Center For Human Genetics Tuebingen Variant Classification Criteria Version 2. Collection method: clinical testing. Allele origin: germline. Affected: yes. Observed: 1 variant allele.
Comment: ANXA11: BP4, BP7

Labcorp Genetics (formerly Invitae), Labcorp
Classification: Likely benign. Last evaluated: 2025-10-17. Review status: criteria provided, single submitter. Criteria: Invitae Variant Classification Sherloc (09022015). Collection method: clinical testing. Allele origin: germline.

PreventionGenetics, part of Exact Sciences
Classification: Likely benign for ANXA11-related condition. Last evaluated: 2023-04-27. Review status: no assertion criteria provided. Collection method: clinical testing. Allele origin: germline. Not counted in ClinVar's aggregate classification.
Comment: This variant is classified as likely benign based on ACMG/AMP sequence variant interpretation guidelines (Richards et al. 2015 PMID: 25741868, with internal and published modifications).

NM_145868.2(ANXA11):c.174G>A (p.Ala58=)

Gene: ANXA11 (annexin A11; minus strand). Cytogenetic location: 10q22.3.
Variant type: single nucleotide variant.
Coding change: c.174G>A on transcript NM_145868.2 (MANE Select); coding-DNA position 174, G replaced by A.
Protein change: p.Ala58=; no amino-acid change (alanine 58 retained).
Molecular consequence: synonymous variant.
Genome position (GRCh38, 1-based): chr10:80,169,356, C>T on the plus strand (G>A on the coding strand, the complement: ANXA11 is on the minus strand). VCF-style: chr10-80169356-C-T. GRCh37 (hg19) VCF-style: chr10-81929112-C-T.
Other names: c.174G>A, p.Ala58= (NM_001157.3, NM_001278407.2, NM_001278408.2 and 1 more transcripts); c.75G>A, p.Ala25= (NM_001278409.2); c.174G>A (NM_145869.1).
Identifiers: ClinVar variation 1539229 (VCV001539229.14), dbSNP rs143915496, ClinGen allele CA5576343.
Genomic context (GRCh38, chr10:80,169,356, plus strand): 5'-AGGGGCCCCAGGGTACAGGTTGGGCATGTTGGCTCCTCCAAATGTCCCAGACATGTTGGC[C>T]GCCTGCAAGGACACAAAGCAGAGCCTGAGGCCAATGGGCCCTGCTGCACTCCGTCCCTCC-3'
Protein context (NP_665875.1, residues 48-68): QFNQDYLSGM[Ala58=]ANMSGTFGGA